The following continues an entry in ClinVar:

NM_007294.4(BRCA1):c.5117G>A (p.Gly1706Glu)

Gene: BRCA1. ClinVar aggregate classification (germline): Pathogenic. Pathogenic (1).

Submissions 8 to 19 of 19:

Blueprint Genetics
Classification: Pathogenic for BRCA1-related disorders. Last evaluated: 2023-01-14. Review status: criteria provided, single submitter. Criteria: ACMG Guidelines, 2015. Collection method: clinical testing. Allele origin: germline. Affected: yes. Observed: 5 variant alleles. Not counted in ClinVar's aggregate classification.

Clinical Genetics Laboratory, Skane University Hospital Lund
Classification: Pathogenic. Last evaluated: 2022-05-27. Review status: criteria provided, single submitter. Criteria: ACMG Guidelines, 2015. Collection method: clinical testing. Allele origin: germline. Affected: yes. Not counted in ClinVar's aggregate classification.

Color Diagnostics, LLC DBA Color Health
Classification: Pathogenic for Hereditary cancer-predisposing syndrome. Last evaluated: 2021-07-20. Review status: criteria provided, single submitter. Criteria: ACMG Guidelines, 2015. Collection method: clinical testing. Allele origin: germline. Not counted in ClinVar's aggregate classification.
Comment: This missense variant replaces glycine with glutamic acid at codon 1706 of the BRCA1 protein. Computational prediction suggests that this variant may have deleterious impact on protein structure and function (internally defined REVEL score threshold >= 0.7, PMID: 27666373). Functional studies have reported that this variant impacts BRCA1 function in transcription activation assays (PMID: 17308087, 20516115, 27742776, 28781887), homology-directed repair assay (PMID: 23867111) and in a haploid cell proliferation assay (PMID: 30209399). This variant has been reported in at least nine individuals affected with breast and/or ovarian cancer (PMID: 11979449, 17262179, 20727672, 24240112, 25682074, 29928469) and as a recurrent mutation in the Spanish population (PMID: 23199084). This variant has been identified in 1/31406 chromosomes in the general population by the Genome Aggregation Database (gnomAD). Loss of BRCA1 function is a known mechanism of disease. Based on the available evidence, this variant is classified as Pathogenic.

Women's Health and Genetics/Laboratory Corporation of America, LabCorp
Classification: Pathogenic for Hereditary breast ovarian cancer syndrome. Last evaluated: 2021-02-21. Review status: criteria provided, single submitter. Criteria: LabCorp Variant Classification Summary - May 2015. Collection method: clinical testing. Allele origin: germline. Not counted in ClinVar's aggregate classification.
Comment: Variant summary: BRCA1 c.5117G>A (p.Gly1706Glu) results in a non-conservative amino acid change in the encoded protein sequence. Four of five in-silico tools predict a damaging effect of the variant on protein function. The variant was absent in 251342 control chromosomes. c.5117G>A has been widely reported in the literature in multiple individuals affected with Hereditary Breast And Ovarian Cancer Syndrome (example, Rebbeck_2018). These data indicate that the variant is very likely to be associated with disease. Several publications reports experimental evidence evaluating an impact on protein function. The most pronounced variant effect results in loss of Homology Directed Repair (HDR) activity (example, Findlay_2018). Six clinical diagnostic laboratories, one consortium (CIMBA) and one expert panel (ENIGMA) have submitted clinical-significance assessments for this variant to ClinVar after 2014. All submitters classified the variant as pathogenic (n=4) to include the expert panel / likely pathogenic(n=4). Based on the evidence outlined above, the variant was classified as pathogenic.

GeneDx
Classification: Pathogenic. Last evaluated: 2020-11-10. Review status: criteria provided, single submitter. Criteria: GeneDx Variant Classification Process June 2021. Collection method: clinical testing. Allele origin: germline. Affected: yes. Not counted in ClinVar's aggregate classification.
Comment: Published functional studies demonstrate a damaging effect: decreased transcription activation, abnormal protease sensitivity, binding specificity, and phosphopeptide binding, sensitivity to cisplatin, and absent ability to support growth in BRCA1-deficient mouse embryonic stem cells (Bouwman 2013, Thouvenot 2016, Woods 2016, Fernandes 2019); Multifactorial studies suggest this variant is associated with breast and ovarian cancer (Lindor 2012); Not observed at a significant frequency in large population cohorts (Lek et al., 2016); In silico analysis supports that this missense variant has a deleterious effect on protein structure/function; Observed in multiple individuals with breast and/or ovarian cancer, and segregated with disease in at least one family (Osorio 2002, Esteban-Cardenosa 2004, Ivevleva 2010); Also known as 5236G>A; This variant is associated with the following publications: (PMID: 17305420, 20727672, 15235020, 15172985, 26071757, 23867111, 30209399, 27272900, 30765603, 17924331, 26780556, 14684619, 17308087, 21447777, 11979449, 12955716, 10755399, 20516115, 21990134, 28781887, 29446198, 32318955, 32123317)

CHEO Genetics Diagnostic Laboratory, Children's Hospital of Eastern Ontario
Classification: Pathogenic for Breast and/or ovarian cancer. Last evaluated: 2019-04-09. Review status: criteria provided, single submitter. Criteria: ACMG Guidelines, 2015. Collection method: clinical testing. Allele origin: germline. Not counted in ClinVar's aggregate classification.

Laboratory for Molecular Medicine, Mass General Brigham Personalized Medicine
Classification: Likely pathogenic for Hereditary breast ovarian cancer syndrome. Last evaluated: 2015-11-17. Review status: criteria provided, single submitter. Criteria: LMM Criteria. Collection method: clinical testing. Allele origin: germline. Inheritance: Autosomal dominant inheritance. Observed: 1 variant allele. Not counted in ClinVar's aggregate classification.
Comment: The p.Gly1727Glu variant in BRCA1 has been reported in at least 9 individuals wi th breast cancer, segregated with disease in 2 affected relatives from 1 family (Osorio 2000, Iyevleva 2010, Breast Cancer Information Core (BIC) database), and was absent from large population studies. In vitro functional studies provide s ome evidence that the missense variant may impact protein function (Bouwman 2013 ). However, these types of assays may not accurately represent biological functi on. Computational prediction tools and conservation analysis do not provide stro ng support for or against an impact to the protein. In summary, although additio nal studies are required to fully establish its clinical significance, the p.Gly 1727Glu variant is likely pathogenic.

Consortium of Investigators of Modifiers of BRCA1/2 (CIMBA), c/o University of Cambridge
Classification: Pathogenic for Breast-ovarian cancer, familial, susceptibility to, 1. Last evaluated: 2015-10-02. Review status: criteria provided, single submitter. Criteria: CIMBA Mutation Classification guidelines May 2016. Collection method: clinical testing. Allele origin: germline. Not counted in ClinVar's aggregate classification.

Institute of Genomics, University of Tartu
Classification: Pathogenic for Breast-ovarian cancer, familial, susceptibility to, 1. Review status: criteria provided, single submitter. Criteria: ACMG Guidelines, 2015. Collection method: research. Allele origin: germline. Affected: yes. Observed: 1 variant allele. Not counted in ClinVar's aggregate classification.

Sharing Clinical Reports Project (SCRP)
Classification: Likely pathogenic for Breast-ovarian cancer, familial 1. Last evaluated: 2011-02-16. Review status: no assertion criteria provided. Collection method: clinical testing. Allele origin: germline. Not counted in ClinVar's aggregate classification.

Breast Cancer Information Core (BIC) (BRCA1)
Classification: Uncertain significance for Breast-ovarian cancer, familial 1. Last evaluated: 2002-05-29. Review status: no assertion criteria provided. Collection method: clinical testing. Allele origin: germline. Affected: yes. Observed: 7 variant alleles. Not counted in ClinVar's aggregate classification.

Brotman Baty Institute, University of Washington
No classification provided (evidence only). Condition: Breast-ovarian cancer, familial 1. Review status: no classification provided. Collection method: in vitro. Allele origin: not applicable. Functional consequence: functionally_abnormal. Not counted in ClinVar's aggregate classification.
ClinVar note: "not provided" was previously submitted as the classification for the variant. However, the classification appeared to be based only on an observation of functional data so it was converted to no classification on 2025-07-30.

Literature cited by the submitters: PubMed 21990134 (cited by 3 submitters); PubMed 10755399 (cited by 3 submitters); PubMed 11979449 (cited by 5 submitters); PubMed 12385650 (cited by Labcorp Genetics (formerly Invitae), Labcorp); PubMed 20727672 (cited by 5 submitters); PubMed 29446198 (cited by 4 submitters); PubMed 30209399 (cited by 6 submitters); PubMed 20516115 (cited by 4 submitters); PubMed 23867111 (cited by 5 submitters); PubMed 28781887 (cited by 3 submitters); PubMed 17262179 (cited by 3 submitters); PubMed 22144684 (cited by Labcorp Genetics (formerly Invitae), Labcorp); PubMed 25948282 (cited by Labcorp Genetics (formerly Invitae), Labcorp); PubMed 27616075 (cited by Labcorp Genetics (formerly Invitae), Labcorp and Quest Diagnostics Nichols Institute San Juan Capistrano); PubMed 30458859 (cited by Labcorp Genetics (formerly Invitae), Labcorp); PubMed 29928469 (cited by 3 submitters); PubMed 32546644 (cited by Center for Genomic Medicine, Rigshospitalet, Copenhagen University Hospital); PubMed 27742776 (cited by 3 submitters); PubMed 26780556 (cited by 3 submitters); PubMed 33468216 (cited by Quest Diagnostics Nichols Institute San Juan Capistrano); PubMed 24240112 (cited by 3 submitters); PubMed 15235020 (cited by Quest Diagnostics Nichols Institute San Juan Capistrano and Women's Health and Genetics/Laboratory Corporation of America, LabCorp); PubMed 17924331 (cited by Quest Diagnostics Nichols Institute San Juan Capistrano and Women's Health and Genetics/Laboratory Corporation of America, LabCorp); PubMed 21447777 (cited by Quest Diagnostics Nichols Institute San Juan Capistrano); PubMed 17305420 (cited by Quest Diagnostics Nichols Institute San Juan Capistrano); PubMed 15172985 (cited by Quest Diagnostics Nichols Institute San Juan Capistrano and Women's Health and Genetics/Laboratory Corporation of America, LabCorp); PubMed 27272900 (cited by Quest Diagnostics Nichols Institute San Juan Capistrano and Ambry Genetics); PubMed 12955716 (cited by Quest Diagnostics Nichols Institute San Juan Capistrano and Women's Health and Genetics/Laboratory Corporation of America, LabCorp); PubMed 17308087 (cited by 3 submitters); PubMed 17279547 (cited by Quest Diagnostics Nichols Institute San Juan Capistrano); PubMed 14684619 (cited by Quest Diagnostics Nichols Institute San Juan Capistrano); PubMed 30765603 (cited by Quest Diagnostics Nichols Institute San Juan Capistrano); PubMed 32123317 (cited by Quest Diagnostics Nichols Institute San Juan Capistrano); PubMed 32318955 (cited by Quest Diagnostics Nichols Institute San Juan Capistrano and Ambry Genetics); PubMed 33087888 (cited by Quest Diagnostics Nichols Institute San Juan Capistrano); PubMed 34597585 (cited by Quest Diagnostics Nichols Institute San Juan Capistrano); PubMed 38709234 (cited by Quest Diagnostics Nichols Institute San Juan Capistrano); PubMed 38201513 (cited by Quest Diagnostics Nichols Institute San Juan Capistrano); PubMed 37719058 (cited by Quest Diagnostics Nichols Institute San Juan Capistrano); PubMed 36922883 (cited by Quest Diagnostics Nichols Institute San Juan Capistrano); PubMed 33536037 (cited by Quest Diagnostics Nichols Institute San Juan Capistrano); PubMed 17550235 (cited by Ambry Genetics); PubMed 19804755 (cited by Ambry Genetics); PubMed 26071757 (cited by Ambry Genetics); PubMed 23199084 (cited by All of Us Research Program, National Institutes of Health); PubMed 25682074 (cited by All of Us Research Program, National Institutes of Health and Women's Health and Genetics/Laboratory Corporation of America, LabCorp); PubMed 11149413 (cited by Women's Health and Genetics/Laboratory Corporation of America, LabCorp).